The following is an entry in ClinVar:

ClinVar aggregate classification (germline): Likely benign. Review status: criteria provided, multiple submitters, no conflicts (2 of 4 stars). 6 submissions from 6 submitters: Likely benign (6). Last evaluated 2026-09-01.

Conditions:
Cardiovascular phenotype. Identifiers: MedGen CN230736.

Allele frequency attached by ClinVar (database versions not stated): TOPMed 0.00025; ExAC 0.00043.

Submissions (6):

CeGaT Center for Human Genetics Tuebingen
Classification: Likely benign. Last evaluated: 2026-09-01. Review status: criteria provided, single submitter. Criteria: CeGaT Center For Human Genetics Tuebingen Variant Classification Criteria Version 2. Collection method: clinical testing. Allele origin: germline. Affected: yes. Observed: 7 variant alleles.
Comment: ZNF469: BP4, BP7

Labcorp Genetics (formerly Invitae), Labcorp
Classification: Likely benign. Last evaluated: 2026-02-01. Review status: criteria provided, single submitter. Criteria: Invitae Variant Classification Sherloc (09022015). Collection method: clinical testing. Allele origin: germline.

Women's Health and Genetics/Laboratory Corporation of America, LabCorp
Classification: Likely benign. Last evaluated: 2025-05-05. Review status: criteria provided, single submitter. Criteria: LabCorp Variant Classification Summary - May 2015. Collection method: clinical testing. Allele origin: germline.

Blueprint Genetics
Classification: Likely benign. Last evaluated: 2024-11-17. Review status: criteria provided, single submitter. Criteria: ACMG Guidelines, 2015. Collection method: clinical testing. Allele origin: germline.

GeneDx
Classification: Likely benign. Last evaluated: 2020-11-24. Review status: criteria provided, single submitter. Criteria: GeneDx Variant Classification Process June 2021. Collection method: clinical testing. Allele origin: germline. Affected: yes.
Comment: Has not been previously published as pathogenic or benign to our knowledge

Ambry Genetics
Classification: Likely benign for Cardiovascular phenotype. Last evaluated: 2019-07-15. Review status: criteria provided, single submitter. Criteria: Ambry Variant Classification Scheme 2023. Collection method: clinical testing. Allele origin: germline.

NM_001367624.2(ZNF469):c.10572C>T (p.Pro3524=)

Gene: ZNF469 (zinc finger protein 469; plus strand). Cytogenetic location: 16q24.2.
Variant type: single nucleotide variant.
Coding change: c.10572C>T on transcript NM_001367624.2 (MANE Select); coding-DNA position 10572, C replaced by T.
Protein change: p.Pro3524=; no amino-acid change (proline 3524 retained).
Molecular consequence: synonymous variant.
Genome position (GRCh38, 1-based): chr16:88,438,042, C>T. VCF-style: chr16-88438042-C-T. GRCh37 (hg19) VCF-style: chr16-88504450-C-T.
Other names: NM_001127464.1:c.10488C>T.
Identifiers: ClinVar variation 321016 (VCV000321016.41), dbSNP rs763317477, ClinGen allele CA8225527.